The following is an entry in ClinVar:

NM_000218.3(KCNQ1):c.1233del (p.Lys411fs)

Gene: KCNQ1 (potassium voltage-gated channel subfamily Q member 1; plus strand). Cytogenetic location: 11p15.5.
Variant type: Deletion.
Coding change: c.1233del on transcript NM_000218.3 (MANE Select); coding-DNA position 1233, one base deleted (A; older notation c.1233delA).
Protein change: p.Lys411fs; shifts the reading frame from lysine 411.
Molecular consequence: frameshift variant.
Genome position (GRCh38, 1-based): chr11:2,587,674, A deleted; the last of 3 consecutive A bases (chr11:2,587,672-2,587,674); deleting any one gives the same sequence. VCF-style (leftmost placement, unchanged base first): chr11-2587671-CA-C. GRCh37 (hg19) VCF-style: chr11-2608901-CA-C.
Other names: c.1233delA, p.Lys411Asnfs (NM_000218.2); c.1137delA, p.Lys379Asnfs (NM_001406836.1); c.963delA, p.Lys321Asnfs (NM_001406837.1); c.693delA, p.Lys231Asnfs (NM_001406838.1); c.852delA, p.Lys284Asnfs (NM_181798.2); short protein forms K284fs, K411fs.
Identifiers: ClinVar variation 844409 (VCV000844409.12), dbSNP rs1848613641, ClinGen allele CA916079962.
Genomic context (GRCh38, chr11:2,587,671, plus strand): 5'-CACCTGGAAGATCTACATCCGGAAGGCCCCCCGGAGCCACACTCTGCTGTCACCCAGCCC[CA>C]AACCCAAGAAGTCTGTGGTGGTGAGTAGCCCACCTGCCACCAGGGCAGGGCCTTCTTGCT-3'

ClinVar aggregate classification (germline): Pathogenic (1 of 4 stars; one submission).

Conditions:
Long QT syndrome (LQTS). Identifiers: MedGen C0023976, MeSH D008133, MONDO:0002442. Disease mechanism: loss of function. Inheritance: Various modes of inheritance.

Submission:

Labcorp Genetics (formerly Invitae), Labcorp
Classification: Pathogenic for Long QT syndrome. Last evaluated: 2022-10-17. Review status: criteria provided, single submitter. Criteria: Invitae Variant Classification Sherloc (09022015). Collection method: clinical testing. Allele origin: germline.
Comment: This variant has not been reported in the literature in individuals affected with KCNQ1-related conditions. For these reasons, this variant has been classified as Pathogenic. ClinVar contains an entry for this variant (Variation ID: 844409). This variant is not present in population databases (gnomAD no frequency). This sequence change creates a premature translational stop signal (p.Lys411Asnfs*8) in the KCNQ1 gene. It is expected to result in an absent or disrupted protein product. Loss-of-function variants in KCNQ1 are known to be pathogenic (PMID: 9323054, 19862833).

Literature cited by the submitters: PubMed 9323054; PubMed 19862833.